The following is an entry in ClinVar:

ClinVar aggregate classification (germline): Uncertain significance (1 of 4 stars; one submission).

Conditions:
Neuropathy, hereditary sensory and autonomic, type 2A (HSAN2A). Also called: ACROOSTEOLYSIS, GIACCAI TYPE; ACROOSTEOLYSIS, NEUROGENIC; MORVAN DISEASE; NEUROPATHY, CONGENITAL SENSORY; NEUROPATHY, HEREDITARY SENSORY RADICULAR, AUTOSOMAL RECESSIVE; NEUROPATHY, HEREDITARY SENSORY, TYPE IIA. Identifiers: Orphanet 970, MedGen C2752089, MONDO:0024309, OMIM 201300.
Generalized epilepsy with febrile seizures plus, type 7 (GEFSP7). Also called: GEFS+, TYPE 7. Identifiers: Orphanet 36387, MedGen C2751778, MONDO:0013470, OMIM 613863.

Allele frequency attached by ClinVar (database versions not stated): gnomAD exomes below 0.00001.
gnomAD v4.1: 1 of 1,613,164 alleles (0.000062%); highest among the groups gnomAD compares: African/African-American, 0.0013%; no homozygotes.

Submission:

Labcorp Genetics (formerly Invitae), Labcorp
Classification: Uncertain significance for Neuropathy, hereditary sensory and autonomic, type 2A; Generalized epilepsy with febrile seizures plus, type 7. Last evaluated: 2023-03-27. Review status: criteria provided, single submitter. Criteria: Invitae Variant Classification Sherloc (09022015). Collection method: clinical testing. Allele origin: germline.
Comment: This variant has not been reported in the literature in individuals affected with SCN9A-related conditions. Advanced modeling of protein sequence and biophysical properties (such as structural, functional, and spatial information, amino acid conservation, physicochemical variation, residue mobility, and thermodynamic stability) performed at Invitae indicates that this missense variant is not expected to disrupt SCN9A protein function. In summary, the available evidence is currently insufficient to determine the role of this variant in disease. Therefore, it has been classified as a Variant of Uncertain Significance. This variant is not present in population databases (gnomAD no frequency). This sequence change replaces asparagine, which is neutral and polar, with aspartic acid, which is acidic and polar, at codon 687 of the SCN9A protein (p.Asn687Asp).

NM_001365536.1(SCN9A):c.2092A>G (p.Asn698Asp)

Genes: SCN1A-AS1 (SCN1A and SCN9A antisense RNA 1; plus strand), SCN9A (sodium voltage-gated channel alpha subunit 9; minus strand). Cytogenetic location: 2q24.3.
Variant type: single nucleotide variant.
Coding change: c.2092A>G on transcript NM_001365536.1 (MANE Select); coding-DNA position 2092, A replaced by G.
Protein change: p.Asn698Asp; replaces asparagine 698 with aspartic acid.
Molecular consequence: missense variant.
Genome position (GRCh38, 1-based): chr2:166,281,691, T>C on the plus strand (A>G on the coding strand, the complement: SCN9A is on the minus strand). VCF-style: chr2-166281691-T-C. GRCh37 (hg19) VCF-style: chr2-167138201-T-C.
Other names: c.2059A>G, p.Asn687Asp (NM_002977.4); short protein forms N687D, N698D.
Identifiers: ClinVar variation 2942907 (VCV002942907.3), dbSNP rs2468024269, ClinGen allele CA349080911.
Genomic context (GRCh38, chr2:166,281,691, plus strand): 5'-GTTAATTTTATTTAAGAATCTGTACAGTAAAAGAAGATTATTACATACCTTCCACAGTGT[T>C]TGTTAATATGCTTGCTCTACTCATTGCTCTCTGTCTGAGGTTGGGATCATTCAGCATATC-3'
Protein context (NP_001352465.1, residues 688-708): RAMSRASILT[Asn698Asp]TVEELEESRQ